The following is an entry in ClinVar:

NM_017866.6(TMEM70):c.190C>T (p.Arg64Trp)

Gene: TMEM70 (transmembrane protein 70; plus strand). Cytogenetic location: 8q21.11.
Variant type: single nucleotide variant.
Coding change: c.190C>T on transcript NM_017866.6 (MANE Select); coding-DNA position 190, C replaced by T.
Protein change: p.Arg64Trp; replaces arginine 64 with tryptophan.
Molecular consequence: missense variant. On other transcripts: non-coding transcript variant (1).
Genome position (GRCh38, 1-based): chr8:73,976,471, C>T. VCF-style: chr8-73976471-C-T. GRCh37 (hg19) VCF-style: chr8-74888706-C-T.
Other names: c.190C>T, p.Arg64Trp (NM_001040613.3); short protein forms R64W.
Identifiers: ClinVar variation 2200356 (VCV002200356.2), dbSNP rs1161113911, ClinGen allele CA371489433.

ClinVar aggregate classification (germline): Uncertain significance (1 of 4 stars; one submission).

Conditions:
Mitochondrial complex V (ATP synthase) deficiency, nuclear type 2. Also called: Nuclear-Encoded ATPase Deficiency, TMEM70-Related; ENCEPHALOCARDIOMYOPATHY, MITOCHONDRIAL, NEONATAL, DUE TO ATP SYNTHASE DEFICIENCY; MITOCHONDRIAL COMPLEX V (ATP SYNTHASE) DEFICIENCY, TMEM70 TYPE. Identifiers: Orphanet 1194, MedGen C3279699, MONDO:0013546, OMIM 614052.

Allele frequency attached by ClinVar (database versions not stated): gnomAD 0.00001; TOPMed 0.00001.
gnomAD v4.1: 8 of 1,542,700 alleles (0.00052%); highest among the groups gnomAD compares: Non-Finnish European, 0.0007%; no homozygotes.

Submission:

Labcorp Genetics (formerly Invitae), Labcorp
Classification: Uncertain significance for Mitochondrial complex V (ATP synthase) deficiency, nuclear type 2. Last evaluated: 2022-06-02. Review status: criteria provided, single submitter. Criteria: Invitae Variant Classification Sherloc (09022015). Collection method: clinical testing. Allele origin: germline.
Comment: In summary, the available evidence is currently insufficient to determine the role of this variant in disease. Therefore, it has been classified as a Variant of Uncertain Significance. Algorithms developed to predict the effect of missense changes on protein structure and function are either unavailable or do not agree on the potential impact of this missense change (SIFT: "Deleterious"; PolyPhen-2: "Benign"; Align-GVGD: "Class C0"). This variant has not been reported in the literature in individuals affected with TMEM70-related conditions. This variant is not present in population databases (gnomAD no frequency). This sequence change replaces arginine, which is basic and polar, with tryptophan, which is neutral and slightly polar, at codon 64 of the TMEM70 protein (p.Arg64Trp).